The following is an entry in ClinVar:

NM_000719.7(CACNA1C):c.2633G>A (p.Ser878Asn)

Gene: CACNA1C (calcium voltage-gated channel subunit alpha1 C; plus strand). Cytogenetic location: 12p13.33.
Variant type: single nucleotide variant.
Coding change: c.2633G>A on transcript NM_000719.7 (MANE Select); coding-DNA position 2633, G replaced by A.
Protein change: p.Ser878Asn; replaces serine 878 with asparagine.
Molecular consequence: missense variant.
Genome position (GRCh38, 1-based): chr12:2,593,315, G>A. VCF-style: chr12-2593315-G-A. GRCh37 (hg19) VCF-style: chr12-2702481-G-A.
Other names: c.2633G>A, p.Ser878Asn (NM_001129827.2, NM_001129829.2, NM_001129830.3 and 18 more transcripts); c.2624G>A, p.Ser875Asn (NM_001129844.2); short protein forms S875N, S878N.
Identifiers: ClinVar variation 4810030 (VCV004810030.1).

ClinVar aggregate classification (germline): Uncertain significance (1 of 4 stars; one submission).

Conditions:
Long QT syndrome (LQTS). Identifiers: MedGen C0023976, MeSH D008133, MONDO:0002442. Disease mechanism: loss of function. Inheritance: Various modes of inheritance.

Submission:

Labcorp Genetics (formerly Invitae), Labcorp
Classification: Uncertain significance for Long QT syndrome. Last evaluated: 2025-05-28. Review status: criteria provided, single submitter. Criteria: Invitae Variant Classification Sherloc (09022015). Collection method: clinical testing. Allele origin: germline.
Comment: This sequence change replaces serine, which is neutral and polar, with asparagine, which is neutral and polar, at codon 878 of the CACNA1C protein (p.Ser878Asn). This variant is not present in population databases (gnomAD no frequency). This variant has not been reported in the literature in individuals affected with CACNA1C-related conditions. Invitae Evidence Modeling of protein sequence and biophysical properties (such as structural, functional, and spatial information, amino acid conservation, physicochemical variation, residue mobility, and thermodynamic stability) has been performed for this missense variant. However, the output from this modeling did not meet the statistical confidence thresholds required to predict the impact of this variant on CACNA1C protein function. In summary, the available evidence is currently insufficient to determine the role of this variant in disease. Therefore, it has been classified as a Variant of Uncertain Significance.